The following is an entry in ClinVar:

ClinVar aggregate classification (germline): Uncertain significance (1 of 4 stars; one submission).

Allele frequency attached by ClinVar (database versions not stated): ExAC 0.00001; gnomAD 0.00001; gnomAD exomes 0.00001; TOPMed 0.00001.
gnomAD v4.1: 12 of 1,612,448 alleles (0.00074%); highest among the groups gnomAD compares: South Asian, 0.0022%; no homozygotes.

Submission:

Labcorp Genetics (formerly Invitae), Labcorp
Classification: Uncertain significance. Last evaluated: 2022-01-15. Review status: criteria provided, single submitter. Criteria: Invitae Variant Classification Sherloc (09022015). Collection method: clinical testing. Allele origin: germline.
Comment: This sequence change replaces leucine, which is neutral and non-polar, with phenylalanine, which is neutral and non-polar, at codon 440 of the TIMM50 protein (p.Leu440Phe). This variant is present in population databases (rs766615677, gnomAD 0.004%). This variant has not been reported in the literature in individuals affected with TIMM50-related conditions. Algorithms developed to predict the effect of missense changes on protein structure and function are either unavailable or do not agree on the potential impact of this missense change (SIFT: "Not Available"; PolyPhen-2: "Benign"; Align-GVGD: "Not Available"). In summary, the available evidence is currently insufficient to determine the role of this variant in disease. Therefore, it has been classified as a Variant of Uncertain Significance.

NM_001001563.5(TIMM50):c.1009C>T (p.Leu337Phe)

Gene: TIMM50 (translocase of inner mitochondrial membrane 50; plus strand). Cytogenetic location: 19q13.2.
Variant type: single nucleotide variant.
Coding change: c.1009C>T on transcript NM_001001563.5 (MANE Select); coding-DNA position 1009, C replaced by T.
Protein change: p.Leu337Phe; replaces leucine 337 with phenylalanine.
Molecular consequence: missense variant.
Genome position (GRCh38, 1-based): chr19:39,489,767, C>T. VCF-style: chr19-39489767-C-T. GRCh37 (hg19) VCF-style: chr19-39980407-C-T.
Other names: c.670C>T, p.Leu224Phe (NM_001329559.2); short protein forms L224F, L337F.
Identifiers: ClinVar variation 1369286 (VCV001369286.5), dbSNP rs766615677, ClinGen allele CA9432054.